The following is an entry in ClinVar:

NM_001018005.2(TPM1):c.144G>A (p.Lys48=)

Gene: TPM1 (tropomyosin 1; plus strand). Cytogenetic location: 15q22.2.
Variant type: single nucleotide variant.
Coding change: c.144G>A on transcript NM_001018005.2 (MANE Select); coding-DNA position 144, G replaced by A.
Protein change: p.Lys48=; no amino-acid change (lysine 48 retained).
Molecular consequence: synonymous variant. On other transcripts: intron variant (3).
Genome position (GRCh38, 1-based): chr15:63,044,056, G>A. VCF-style: chr15-63044056-G-A. GRCh37 (hg19) VCF-style: chr15-63336255-G-A.
Other names: c.144G>A, p.Lys48= (NM_000366.6, NM_001018004.2, NM_001018006.2 and 3 more transcripts); c.270G>A, p.Lys90= (NM_001365778.1); c.240+225G>A (NM_001018020.2, NM_001018007.2, NM_001301244.2).
Identifiers: ClinVar variation 507899 (VCV000507899.13), dbSNP rs1555403374, ClinGen allele CA490679523.

ClinVar aggregate classification (germline): Likely benign. Review status: criteria provided, multiple submitters, no conflicts (2 of 4 stars). 5 submissions from 5 submitters: Likely benign (5). Last evaluated 2026-03-15.

Conditions:
Cardiovascular phenotype. Identifiers: MedGen CN230736.
Cardiomyopathy (CMYO). Also called: Cardiomyopathies. Identifiers: Orphanet 167848, MedGen C0878544, MONDO:0004994, HP:0001638. Inheritance: Various modes of inheritance.
Hypertrophic cardiomyopathy. Also called: HYPERTROPHIC MYOCARDIOPATHY. Identifiers: Orphanet 217569, MedGen C0007194, MeSH D002312, MONDO:0005045, HP:0001639.

Allele frequency attached by ClinVar (database versions not stated): gnomAD exomes below 0.00001.
gnomAD v4.1: 4 of 1,614,088 alleles (0.00025%); highest among the groups gnomAD compares: Non-Finnish European, 0.00034%; no homozygotes.

Submissions (5):

Ambry Genetics
Classification: Likely benign for Cardiovascular phenotype. Last evaluated: 2026-03-15. Review status: criteria provided, single submitter. Criteria: Ambry Variant Classification Scheme 2023. Collection method: clinical testing. Allele origin: germline.

Labcorp Genetics (formerly Invitae), Labcorp
Classification: Likely benign for Hypertrophic cardiomyopathy. Last evaluated: 2024-10-12. Review status: criteria provided, single submitter. Criteria: Invitae Variant Classification Sherloc (09022015). Collection method: clinical testing. Allele origin: germline.

All of Us Research Program, National Institutes of Health
Classification: Likely benign for Hypertrophic cardiomyopathy. Last evaluated: 2023-06-26. Review status: criteria provided, single submitter. Criteria: ACMG Guidelines, 2015. Collection method: clinical testing. Allele origin: germline. Inheritance: Autosomal dominant inheritance. Observed: 2 variant alleles, 2 heterozygotes.
Comment: This study involves interpretation of variants in research participants for the purpose of population health screening. Participant phenotype was not available at the time of variant classification. Additional details can be found in publication PMID: 35346344, PMCID: PMC8962531

Color Diagnostics, LLC DBA Color Health
Classification: Likely benign for Cardiomyopathy. Last evaluated: 2020-02-09. Review status: criteria provided, single submitter. Criteria: ACMG Guidelines, 2015. Collection method: clinical testing. Allele origin: germline.

GeneDx
Classification: Likely benign. Last evaluated: 2017-03-16. Review status: criteria provided, single submitter. Criteria: GeneDx Variant Classification (06012015). Collection method: clinical testing. Allele origin: germline. Affected: yes.
Comment: This variant is considered likely benign or benign based on one or more of the following criteria: it is a conservative change, it occurs at a poorly conserved position in the protein, it is predicted to be benign by multiple in silico algorithms, and/or has population frequency not consistent with disease.